The following is an entry in ClinVar:

ClinVar aggregate classification (germline): Likely benign. Review status: criteria provided, multiple submitters, no conflicts (2 of 4 stars). 2 submissions from 2 submitters: Likely benign (2). Last evaluated 2025-02-01.

Allele frequency attached by ClinVar (database versions not stated): TOPMed below 0.00001.

Submissions (2):

CeGaT Center for Human Genetics Tuebingen
Classification: Likely benign. Last evaluated: 2025-02-01. Review status: criteria provided, single submitter. Criteria: CeGaT Center For Human Genetics Tuebingen Variant Classification Criteria Version 2. Collection method: clinical testing. Allele origin: germline. Affected: yes. Observed: 1 variant allele.
Comment: DUOXA2: BP4, BP7

Labcorp Genetics (formerly Invitae), Labcorp
Classification: Likely benign. Last evaluated: 2018-07-31. Review status: criteria provided, single submitter. Criteria: Invitae Variant Classification Sherloc (09022015). Collection method: clinical testing. Allele origin: germline.

NM_207581.4(DUOXA2):c.420G>A (p.Ala140=)

Gene: DUOXA2 (dual oxidase maturation factor 2; plus strand). Cytogenetic location: 15q21.1.
Variant type: single nucleotide variant.
Coding change: c.420G>A on transcript NM_207581.4 (MANE Select); coding-DNA position 420, G replaced by A.
Protein change: p.Ala140=; no amino-acid change (alanine 140 retained).
Molecular consequence: synonymous variant.
Genome position (GRCh38, 1-based): chr15:45,116,595, G>A. VCF-style: chr15-45116595-G-A. GRCh37 (hg19) VCF-style: chr15-45408793-G-A.
Identifiers: ClinVar variation 761091 (VCV000761091.16), dbSNP rs1595534121, ClinGen allele CA490332579.